The following is an entry in ClinVar:

ClinVar aggregate classification (germline): Uncertain significance. Review status: criteria provided, single submitter (1 of 4 stars). 2 submissions from 2 submitters: Uncertain significance (1). 1 of the submissions does not count toward it. Last evaluated 2016-09-01.

Conditions:
DCAF8-related disorder. Also called: DCAF8-related condition.

Allele frequency attached by ClinVar (database versions not stated): ExAC 0.00005; gnomAD exomes 0.00006 and 0.00007; ESP Exome Variant Server 0.00008; gnomAD 0.00009 and 0.00011; TOPMed 0.00010.
gnomAD v4.1: 120 of 1,613,900 alleles (0.0074%); highest among the groups gnomAD compares: Non-Finnish European, 0.0095%; no homozygotes.

Submissions (2):

CeGaT Center for Human Genetics Tuebingen
Classification: Uncertain significance. Last evaluated: 2016-09-01. Review status: criteria provided, single submitter. Criteria: CeGaT Center For Human Genetics Tuebingen Variant Classification Criteria Version 2. Collection method: clinical testing. Allele origin: germline. Affected: yes. Observed: 1 variant allele.

PreventionGenetics, part of Exact Sciences
Classification: Likely benign for DCAF8-related condition. Last evaluated: 2019-06-05. Review status: no assertion criteria provided. Collection method: clinical testing. Allele origin: germline. Not counted in ClinVar's aggregate classification.
Comment: This variant is classified as likely benign based on ACMG/AMP sequence variant interpretation guidelines (Richards et al. 2015 PMID: 25741868, with internal and published modifications).

NM_015726.4(DCAF8):c.1233T>C (p.Ile411=)

Gene: DCAF8 (DDB1 and CUL4 associated factor 8; minus strand). Cytogenetic location: 1q23.2.
Variant type: single nucleotide variant.
Coding change: c.1233T>C on transcript NM_015726.4 (MANE Select); coding-DNA position 1233, T replaced by C.
Protein change: p.Ile411=; no amino-acid change (isoleucine 411 retained).
Molecular consequence: synonymous variant. On other transcripts: non-coding transcript variant (2).
Genome position (GRCh38, 1-based): chr1:160,224,518, A>G on the plus strand (T>C on the coding strand, the complement: DCAF8 is on the minus strand). VCF-style: chr1-160224518-A-G. GRCh37 (hg19) VCF-style: chr1-160194308-A-G.
Other names: c.1233T>C (NM_015726.3).
Identifiers: ClinVar variation 806253 (VCV000806253.43), dbSNP rs142352428, ClinGen allele CA1196746.